The following is an entry in ClinVar:

NM_001846.4(COL4A2):c.3250A>G (p.Ile1084Val)

Gene: COL4A2 (collagen type IV alpha 2 chain; plus strand). Cytogenetic location: 13q34.
Variant type: single nucleotide variant.
Coding change: c.3250A>G on transcript NM_001846.4 (MANE Select); coding-DNA position 3250, A replaced by G.
Protein change: p.Ile1084Val; replaces isoleucine 1084 with valine.
Molecular consequence: missense variant.
Genome position (GRCh38, 1-based): chr13:110,489,487, A>G. VCF-style: chr13-110489487-A-G. GRCh37 (hg19) VCF-style: chr13-111141834-A-G.
Other names: short protein forms I1084V.
Identifiers: ClinVar variation 2122167 (VCV002122167.4), dbSNP rs1883213881, ClinGen allele CA388730726.

ClinVar aggregate classification (germline): Uncertain significance (1 of 4 stars; one submission).

Allele frequency attached by ClinVar (database versions not stated): TOPMed below 0.00001.

Submission:

Labcorp Genetics (formerly Invitae), Labcorp
Classification: Uncertain significance. Last evaluated: 2022-06-22. Review status: criteria provided, single submitter. Criteria: Invitae Variant Classification Sherloc (09022015). Collection method: clinical testing. Allele origin: germline.
Comment: This variant is not present in population databases (gnomAD no frequency). This sequence change replaces isoleucine, which is neutral and non-polar, with valine, which is neutral and non-polar, at codon 1084 of the COL4A2 protein (p.Ile1084Val). This variant has not been reported in the literature in individuals affected with COL4A2-related conditions. In summary, the available evidence is currently insufficient to determine the role of this variant in disease. Therefore, it has been classified as a Variant of Uncertain Significance. Advanced modeling of protein sequence and biophysical properties (such as structural, functional, and spatial information, amino acid conservation, physicochemical variation, residue mobility, and thermodynamic stability) performed at Invitae indicates that this missense variant is not expected to disrupt COL4A2 protein function.